The following is an entry in ClinVar:

ClinVar aggregate classification (germline): Likely pathogenic (1 of 4 stars; one submission).

Conditions:
TG-related disorder. Also called: TG-related condition; TG-related disorders.

Allele frequency attached by ClinVar (database versions not stated): gnomAD exomes below 0.00001; gnomAD 0.00001; TOPMed 0.00001.
gnomAD v4.1: 3 of 1,610,880 alleles (0.00019%); highest among the groups gnomAD compares: African/African-American, 0.004%; no homozygotes.

Submission:

PreventionGenetics, part of Exact Sciences
Classification: Likely pathogenic for TG-related condition. Last evaluated: 2022-11-15. Review status: criteria provided, single submitter. Criteria: ACMG Guidelines, 2015. Collection method: clinical testing. Allele origin: germline.
Comment: The TG c.5976-2A>C variant is predicted to disrupt the AG splice acceptor site and interfere with normal splicing. This variant is reported in 0.011% of alleles in individuals of African descent in gnomAD. Variants that disrupt the consensus splice acceptor site in TG are expected to be pathogenic. This variant is interpreted as likely pathogenic.

NM_003235.5(TG):c.5976-2A>C

Gene: TG (thyroglobulin; plus strand). Cytogenetic location: 8q24.22.
Variant type: single nucleotide variant.
Coding change: c.5976-2A>C on transcript NM_003235.5 (MANE Select); the canonical splice acceptor site of the intron before coding-DNA position 5976, A replaced by C.
Molecular consequence: splice acceptor variant.
Genome position (GRCh38, 1-based): chr8:132,971,792, A>C. VCF-style: chr8-132971792-A-C. GRCh37 (hg19) VCF-style: chr8-133984037-A-C.
Identifiers: ClinVar variation 2635418 (VCV002635418.1), dbSNP rs1166051735, ClinGen allele CA372236473.